The following is an entry in ClinVar:

ClinVar aggregate classification (germline): Pathogenic (1 of 4 stars; one submission).

Conditions:
Lethal multiple pterygium syndrome (LMPS). Identifiers: Orphanet 33108, MedGen C1854678, MONDO:0009668, OMIM 253290.

Submission:

Labcorp Genetics (formerly Invitae), Labcorp
Classification: Pathogenic for Lethal multiple pterygium syndrome. Last evaluated: 2024-11-23. Review status: criteria provided, single submitter. Criteria: Invitae Variant Classification Sherloc (09022015). Collection method: clinical testing. Allele origin: germline.
Comment: This sequence change creates a premature translational stop signal (p.Leu32Argfs*35) in the CHRND gene. It is expected to result in an absent or disrupted protein product. Loss-of-function variants in CHRND are known to be pathogenic (PMID: 11435464, 25264167). This variant is not present in population databases (gnomAD no frequency). This variant has not been reported in the literature in individuals affected with CHRND-related conditions. For these reasons, this variant has been classified as Pathogenic.

Literature cited by the submitters: PubMed 11435464; PubMed 25264167.

NM_000751.3(CHRND):c.95del (p.Leu32fs)

Gene: CHRND (cholinergic receptor nicotinic delta subunit; plus strand). Cytogenetic location: 2q37.1.
Variant type: Deletion.
Coding change: c.95del on transcript NM_000751.3 (MANE Select); coding-DNA position 95, one base deleted (T; older notation c.95delT).
Protein change: p.Leu32fs; shifts the reading frame from leucine 32.
Molecular consequence: frameshift variant. On other transcripts: 5 prime UTR variant (2).
Genome position (GRCh38, 1-based): chr2:232,526,571, T deleted. VCF-style (leftmost placement, unchanged base first): chr2-232526570-CT-C. GRCh37 (hg19) VCF-style: chr2-233391280-CT-C.
Other names: c.95del, p.Leu32fs (NM_001256657.2); c.-177del (NM_001311195.2, NM_001311196.2); short protein forms L32fs.
Identifiers: ClinVar variation 3725432 (VCV003725432.2).